The following is an entry in ClinVar:

ClinVar aggregate classification (germline): Uncertain significance (1 of 4 stars; one submission).

gnomAD v4.1: 2 of 1,369,716 alleles (0.00015%); highest among the groups gnomAD compares: Non-Finnish European, 0.0002%; no homozygotes.

Submission:

Dasa
Classification: Uncertain significance. Last evaluated: 2024-10-21. Review status: criteria provided, single submitter. Criteria: DASA Assertion Criteria. Collection method: clinical testing. Allele origin: germline.
Comment: NM_001145026.2(PTPRQ):c.4285+2T>C affects a canonical splice site and is predicted to disrupt normal RNA splicing. This variant is rare in population databases. The currently available literature and clinical evidence are not sufficient to establish a definitive association between this variant and the reported condition. Therefore, this variant is classified as a variant of uncertain significance.

NM_001145026.2(PTPRQ):c.4285+2T>C

Gene: PTPRQ (protein tyrosine phosphatase receptor type Q; plus strand). Cytogenetic location: 12q21.31.
Variant type: single nucleotide variant.
Coding change: c.4285+2T>C on transcript NM_001145026.2 (MANE Select); the canonical splice donor site of the intron after coding-DNA position 4285, T replaced by C.
Molecular consequence: splice donor variant.
Genome position (GRCh38, 1-based): chr12:80,549,736, T>C. VCF-style: chr12-80549736-T-C. GRCh37 (hg19) VCF-style: chr12-80943515-T-C.
Identifiers: ClinVar variation 4885761 (VCV004885761.2).